The following is an entry in ClinVar:

ClinVar aggregate classification (germline): Uncertain significance. Review status: criteria provided, multiple submitters, no conflicts (2 of 4 stars). 3 submissions from 3 submitters: Uncertain significance (3). Last evaluated 2025-08-18.

Conditions:
Nijmegen breakage syndrome-like disorder (NBSLD). Also called: MICROCEPHALY AND SPONTANEOUS CHROMOSOME INSTABILITY WITHOUT IMMUNODEFICIENCY; NBS-LIKE DISORDER; RAD50 DEFICIENCY. Identifiers: Orphanet 240760, MedGen C2751318, MONDO:0013118, OMIM 613078.
Hereditary cancer-predisposing syndrome. Also called: Neoplastic Syndromes, Hereditary; Tumor predisposition; Hereditary Cancer Syndrome; Hereditary neoplastic syndrome. Identifiers: Orphanet 140162, MedGen C0027672, MeSH D009386, MONDO:0015356.

Allele frequency attached by ClinVar (database versions not stated): gnomAD exomes below 0.00001 and 0.00003; gnomAD 0.00001 and 0.00002; TOPMed 0.00002; ExAC 0.00004; ESP Exome Variant Server 0.00008; 1000 Genomes Project 30x 0.00016; 1000 Genomes Project 0.00020.
gnomAD v4.1: 9 of 1,612,920 alleles (0.00056%); highest among the groups gnomAD compares: Admixed American, 0.0083%; no homozygotes.

Submissions (3):

Labcorp Genetics (formerly Invitae), Labcorp
Classification: Uncertain significance for Hereditary cancer-predisposing syndrome. Last evaluated: 2025-08-18. Review status: criteria provided, single submitter. Criteria: Invitae Variant Classification Sherloc (09022015). Collection method: clinical testing. Allele origin: germline.
Comment: This sequence change replaces isoleucine, which is neutral and non-polar, with methionine, which is neutral and non-polar, at codon 819 of the RAD50 protein (p.Ile819Met). This variant is present in population databases (rs143554330, gnomAD 0.01%). This variant has not been reported in the literature in individuals affected with RAD50-related conditions. ClinVar contains an entry for this variant (Variation ID: 231522). Invitae Evidence Modeling of protein sequence and biophysical properties (such as structural, functional, and spatial information, amino acid conservation, physicochemical variation, residue mobility, and thermodynamic stability) indicates that this missense variant is not expected to disrupt RAD50 protein function with a negative predictive value of 80%. In summary, the available evidence is currently insufficient to determine the role of this variant in disease. Therefore, it has been classified as a Variant of Uncertain Significance.

Ambry Genetics
Classification: Uncertain significance for Hereditary cancer-predisposing syndrome. Last evaluated: 2024-08-12. Review status: criteria provided, single submitter. Criteria: Ambry Variant Classification Scheme 2023. Collection method: clinical testing. Allele origin: germline.
Comment: The p.I819M variant (also known as c.2457A>G), located in coding exon 15 of the RAD50 gene, results from an A to G substitution at nucleotide position 2457. The isoleucine at codon 819 is replaced by methionine, an amino acid with highly similar properties. This amino acid position is poorly conserved in available vertebrate species. In addition, this alteration is predicted to be tolerated by in silico analysis. Since supporting evidence is limited at this time, the clinical significance of this alteration remains unclear.

Baylor Genetics
Classification: Uncertain significance for Nijmegen breakage syndrome-like disorder. Last evaluated: 2023-07-25. Review status: criteria provided, single submitter. Criteria: ACMG Guidelines, 2015. Collection method: clinical testing. Allele origin: unknown.

NM_005732.4(RAD50):c.2457A>G (p.Ile819Met)

Gene: RAD50 (RAD50 double strand break repair protein; plus strand). Cytogenetic location: 5q31.1.
Variant type: single nucleotide variant.
Coding change: c.2457A>G on transcript NM_005732.4 (MANE Select); coding-DNA position 2457, A replaced by G.
Protein change: p.Ile819Met; replaces isoleucine 819 with methionine.
Molecular consequence: missense variant.
Genome position (GRCh38, 1-based): chr5:132,603,979, A>G. VCF-style: chr5-132603979-A-G. GRCh37 (hg19) VCF-style: chr5-131939671-A-G.
Other names: short protein forms I819M.
Identifiers: ClinVar variation 231522 (VCV000231522.15), dbSNP rs143554330, ClinGen allele CA3405397.